The following is an entry in ClinVar:

NM_006379.5(SEMA3C):c.349C>T (p.Arg117Cys)

Gene: SEMA3C (semaphorin 3C; minus strand). Cytogenetic location: 7q21.11.
Variant type: single nucleotide variant.
Coding change: c.349C>T on transcript NM_006379.5 (MANE Select); coding-DNA position 349, C replaced by T.
Protein change: p.Arg117Cys; replaces arginine 117 with cysteine.
Molecular consequence: missense variant.
Genome position (GRCh38, 1-based): chr7:80,818,397, G>A on the plus strand (C>T on the coding strand, the complement: SEMA3C is on the minus strand). VCF-style: chr7-80818397-G-A. GRCh37 (hg19) VCF-style: chr7-80447713-G-A.
Other names: c.403C>T (NM_001350120.1); c.403C>T, p.Arg135Cys (NM_001350120.2); c.175C>T, p.Arg59Cys (NM_001350121.2); short protein forms R117C, R135C, R59C.
Identifiers: ClinVar variation 2224366 (VCV002224366.4), dbSNP rs377149195, ClinGen allele CA4316459.

ClinVar aggregate classification (germline): Uncertain significance. Review status: criteria provided, multiple submitters, no conflicts (2 of 4 stars). 2 submissions from 2 submitters: Uncertain significance (2). Last evaluated 2026-09-21.

Conditions:
SEMA3C-related disorder. Also called: SEMA3C-related condition.

Allele frequency attached by ClinVar (database versions not stated): gnomAD exomes 0.00002; ExAC 0.00006; ESP Exome Variant Server 0.00008; gnomAD 0.00019; TOPMed 0.00023.
gnomAD v4.1: 59 of 1,612,536 alleles (0.0037%); highest among the groups gnomAD compares: African/African-American, 0.051%; no homozygotes.

Submissions (2):

PreventionGenetics, part of Exact Sciences
Classification: Uncertain significance for SEMA3C-related condition. Last evaluated: 2026-09-21. Review status: criteria provided, single submitter. Criteria: ACMG Guidelines, 2015. Collection method: clinical testing. Allele origin: germline.
Comment: The SEMA3C c.403C>T variant is predicted to result in the amino acid substitution p.Arg135Cys. To our knowledge, this variant has not been reported in the literature. This variant is reported in 0.048% of alleles in individuals of African descent in gnomAD. At this time, the clinical significance of this variant is uncertain due to the absence of conclusive functional and genetic evidence.

Ambry Genetics
Classification: Uncertain significance. Last evaluated: 2022-08-26. Review status: criteria provided, single submitter. Criteria: Ambry Variant Classification Scheme 2023. Collection method: clinical testing. Allele origin: germline.